The following is an entry in ClinVar:

ClinVar aggregate classification (germline): Uncertain significance. Review status: criteria provided, multiple submitters, no conflicts (2 of 4 stars). 3 submissions from 3 submitters: Uncertain significance (3). Last evaluated 2024-04-08.

Conditions:
Severe combined immunodeficiency due to DNA-PKcs deficiency. Also called: IMMUNODEFICIENCY 26 WITH NEUROLOGIC ABNORMALITIES; Immunodeficiency 26 with or without neurologic abnormalities. Identifiers: Orphanet 317425, MedGen C4014833, MONDO:0014423, OMIM 615966.

Allele frequency attached by ClinVar (database versions not stated): gnomAD exomes 0.00001 and 0.00004; gnomAD 0.00002 and 0.00003; TOPMed 0.00002; ExAC 0.00004; 1000 Genomes Project 30x 0.00016; 1000 Genomes Project 0.00020.
gnomAD v4.1: 19 of 1,613,978 alleles (0.0012%); highest among the groups gnomAD compares: East Asian, 0.031%; no homozygotes.

Submissions (3):

Women's Health and Genetics/Laboratory Corporation of America, LabCorp
Classification: Uncertain significance. Last evaluated: 2024-04-08. Review status: criteria provided, single submitter. Criteria: LabCorp Variant Classification Summary - May 2015. Collection method: clinical testing. Allele origin: germline.
Comment: Variant summary: PRKDC c.1337T>A (p.Phe446Tyr) results in a conservative amino acid change located in the DNA-PKcs, N-terminal (IPR046804) of the encoded protein sequence. Three of five in-silico tools predict a damaging effect of the variant on protein function. The variant allele was found at a frequency of 4e-05 in 249246 control chromosomes. This frequency is not significantly higher than estimated for a pathogenic variant in PRKDC causing Severe Combined Immunodeficiency (4e-05 vs 0.00035), allowing no conclusion about variant significance. c.1337T>A has been reported in the literature in individuals affected with systemic lupus erythematosus like syndrome (Li_2023). These report(s) do not provide unequivocal conclusions about association of the variant with Severe Combined Immunodeficiency. To our knowledge, no experimental evidence demonstrating an impact on protein function has been reported. The following publication have been ascertained in the context of this evaluation (PMID: 37580814). ClinVar contains an entry for this variant (Variation ID: 475217). Based on the evidence outlined above, the variant was classified as uncertain significance.

Labcorp Genetics (formerly Invitae), Labcorp
Classification: Uncertain significance for Severe combined immunodeficiency due to DNA-PKcs deficiency. Last evaluated: 2022-02-08. Review status: criteria provided, single submitter. Criteria: Invitae Variant Classification Sherloc (09022015). Collection method: clinical testing. Allele origin: germline.
Comment: This sequence change replaces phenylalanine, which is neutral and non-polar, with tyrosine, which is neutral and polar, at codon 446 of the PRKDC protein (p.Phe446Tyr). This variant is present in population databases (rs534735519, gnomAD 0.05%). This variant has not been reported in the literature in individuals affected with PRKDC-related conditions. ClinVar contains an entry for this variant (Variation ID: 475217). In summary, the available evidence is currently insufficient to determine the role of this variant in disease. Therefore, it has been classified as a Variant of Uncertain Significance.

Ambry Genetics
Classification: Uncertain significance. Last evaluated: 2021-06-22. Review status: criteria provided, single submitter. Criteria: Ambry Variant Classification Scheme 2023. Collection method: clinical testing. Allele origin: germline.

Literature cited by the submitters: PubMed 37580814 (cited by Women's Health and Genetics/Laboratory Corporation of America, LabCorp).

NM_006904.7(PRKDC):c.1337T>A (p.Phe446Tyr)

Gene: PRKDC (protein kinase, DNA-activated, catalytic subunit; minus strand). Cytogenetic location: 8q11.21.
Variant type: single nucleotide variant.
Coding change: c.1337T>A on transcript NM_006904.7 (MANE Select); coding-DNA position 1337, T replaced by A.
Protein change: p.Phe446Tyr; replaces phenylalanine 446 with tyrosine.
Molecular consequence: missense variant.
Genome position (GRCh38, 1-based): chr8:47,935,842, A>T on the plus strand (T>A on the coding strand, the complement: PRKDC is on the minus strand). VCF-style: chr8-47935842-A-T. GRCh37 (hg19) VCF-style: chr8-48848402-A-T.
Other names: c.1337T>A, p.Phe446Tyr (NM_001081640.2); short protein forms F446Y.
Identifiers: ClinVar variation 475217 (VCV000475217.8), dbSNP rs534735519, ClinGen allele CA4741757.